The following is an entry in ClinVar:

NM_002470.4(MYH3):c.3091C>G (p.Gln1031Glu)

Gene: MYH3 (myosin heavy chain 3; minus strand). Cytogenetic location: 17p13.1.
Variant type: single nucleotide variant.
Coding change: c.3091C>G on transcript NM_002470.4 (MANE Select); coding-DNA position 3091, C replaced by G.
Protein change: p.Gln1031Glu; replaces glutamine 1031 with glutamic acid.
Molecular consequence: missense variant.
Genome position (GRCh38, 1-based): chr17:10,639,309, G>C on the plus strand (C>G on the coding strand, the complement: MYH3 is on the minus strand). VCF-style: chr17-10639309-G-C. GRCh37 (hg19) VCF-style: chr17-10542626-G-C.
Other names: short protein forms Q1031E.
Identifiers: ClinVar variation 3654415 (VCV003654415.2).

ClinVar aggregate classification (germline): Uncertain significance (1 of 4 stars; one submission).

Submission:

Labcorp Genetics (formerly Invitae), Labcorp
Classification: Uncertain significance. Last evaluated: 2024-08-09. Review status: criteria provided, single submitter. Criteria: Invitae Variant Classification Sherloc (09022015). Collection method: clinical testing. Allele origin: germline.
Comment: This sequence change replaces glutamine, which is neutral and polar, with glutamic acid, which is acidic and polar, at codon 1031 of the MYH3 protein (p.Gln1031Glu). This variant is present in population databases (rs770589766, gnomAD 0.002%). This variant has not been reported in the literature in individuals affected with MYH3-related conditions. Advanced modeling of protein sequence and biophysical properties (such as structural, functional, and spatial information, amino acid conservation, physicochemical variation, residue mobility, and thermodynamic stability) performed at Invitae indicates that this missense variant is not expected to disrupt MYH3 protein function with a negative predictive value of 95%. In summary, the available evidence is currently insufficient to determine the role of this variant in disease. Therefore, it has been classified as a Variant of Uncertain Significance.